The following is an entry in ClinVar:

ClinVar aggregate classification (germline): Likely benign (1 of 4 stars; one submission).

Allele frequency attached by ClinVar (database versions not stated): 1000 Genomes Project 30x 0.00718; gnomAD 0.00744 and 0.00794; TOPMed 0.00889.

Submission:

GeneDx
Classification: Likely benign. Last evaluated: 2022-02-01. Review status: criteria provided, single submitter. Criteria: GeneDx Variant Classification Process June 2021. Collection method: clinical testing. Allele origin: germline. Affected: yes.
Comment: See Variant Classification Assertion Criteria.

NC_000015.10:g.82540485C>T

Genes: RPS17 (ribosomal protein S17; minus strand), LOC130057768 (ATAC-STARR-seq lymphoblastoid silent region 6748; plus strand). Cytogenetic location: 15q25.2.
Variant type: single nucleotide variant.
Genome position: GRCh38 VCF-style: chr15-82540485-C-T. GRCh37 (hg19) VCF-style: chr15-82824893-C-T.
Identifiers: ClinVar variation 1699873 (VCV001699873.3), dbSNP rs1052820942, ClinGen allele CA273933759.